The following is an entry in ClinVar:

NM_001369268.1(ACAN):c.824_825delinsAA (p.Arg275Gln)

Gene: ACAN (aggrecan; plus strand). Cytogenetic location: 15q26.1.
Variant type: Indel.
Coding change: c.824_825delinsAA on transcript NM_001369268.1 (MANE Select); coding-DNA positions 824 to 825, GG replaced by AA.
Protein change: p.Arg275Gln; replaces arginine 275 with glutamine.
Molecular consequence: missense variant.
Genome position (GRCh38, 1-based): chr15:88,843,421-88,843,422, GG replaced by AA. VCF-style: chr15-88843421-GG-AA. GRCh37 (hg19) VCF-style: chr15-89386652-GG-AA.
Other names: c.824_825delinsAA, p.Arg275Gln (NM_001135.4, NM_001411096.1, NM_001411097.1 and 1 more transcripts); short protein forms R275Q.
Identifiers: ClinVar variation 4693747 (VCV004693747.1).

ClinVar aggregate classification (germline): Uncertain significance (1 of 4 stars; one submission).

Submission:

Labcorp Genetics (formerly Invitae), Labcorp
Classification: Uncertain significance. Last evaluated: 2025-05-15. Review status: criteria provided, single submitter. Criteria: Invitae Variant Classification Sherloc (09022015). Collection method: clinical testing. Allele origin: germline.
Comment: This sequence change replaces arginine, which is basic and polar, with glutamine, which is neutral and polar, at codon 275 of the ACAN protein (p.Arg275Gln). The frequency data for this variant in the population databases is considered unreliable, as metrics indicate poor data quality at this position in the gnomAD database. This variant has not been reported in the literature in individuals affected with ACAN-related conditions. Experimental studies and prediction algorithms are not available or were not evaluated, and the functional significance of this variant is currently unknown. In summary, the available evidence is currently insufficient to determine the role of this variant in disease. Therefore, it has been classified as a Variant of Uncertain Significance.